The following is an entry in ClinVar:

ClinVar aggregate classification (germline): Conflicting classifications of pathogenicity. Review status: criteria provided, conflicting classifications (1 of 4 stars). 5 submissions from 5 submitters: Uncertain significance (1); Likely benign (3). 1 of the submissions does not count toward it. Last evaluated 2026-01-13.

Conditions:
Paragangliomas with sensorineural hearing loss. Identifiers: MedGen C1868633.
Pheochromocytoma. Also called: MAX-Related Hereditary Paraganglioma-Pheochromocytoma Syndrome. Identifiers: Orphanet 29072, MedGen C0031511, MONDO:0008233, OMIM 171300, HP:0002666.
Cowden syndrome 3 (CWS3). Identifiers: Orphanet 201, MedGen CN166604, MONDO:0014045.
Carney-Stratakis syndrome. Also called: PARAGANGLIOMA AND GASTROINTESTINAL STROMAL TUMOR. Identifiers: Orphanet 97286, MedGen C1847319, MONDO:0011740, OMIM 606864.
Hereditary cancer-predisposing syndrome. Also called: Neoplastic Syndromes, Hereditary; Hereditary neoplastic syndrome; Tumor predisposition; Hereditary Cancer Syndrome. Identifiers: Orphanet 140162, MedGen C0027672, MeSH D009386, MONDO:0015356.
Hereditary pheochromocytoma and paraganglioma. Also called: Hereditary Paraganglioma-Pheochromocytoma Syndromes; Hereditary paragangliomas and pheochromocytomas; Hereditary pheochromocytoma-paraganglioma. Identifiers: Orphanet 29072, MedGen C4274332, MONDO:0017366.
Microcephaly. Also called: Microcephaly (disease). Identifiers: MedGen C4551563, MONDO:0001149, HP:0000252.

gnomAD v4.1: 21 of 1,614,014 alleles (0.0013%); highest among the groups gnomAD compares: East Asian, 0.047%; no homozygotes.

Submissions (5):

Labcorp Genetics (formerly Invitae), Labcorp
Classification: Likely benign for Carney-Stratakis syndrome; Paragangliomas with sensorineural hearing loss; Pheochromocytoma; Cowden syndrome 3. Last evaluated: 2026-01-13. Review status: criteria provided, single submitter. Criteria: Invitae Variant Classification Sherloc (09022015). Collection method: clinical testing. Allele origin: germline.

GeneDx
Classification: Uncertain significance. Last evaluated: 2025-07-08. Review status: criteria provided, single submitter. Criteria: GeneDx Variant Classification Process June 2021. Collection method: clinical testing. Allele origin: germline. Affected: yes.
Comment: In silico analysis supports that this missense variant has a deleterious effect on protein structure/function; Has not been previously published as pathogenic or benign to our knowledge

Color Diagnostics, LLC DBA Color Health
Classification: Likely benign for Hereditary pheochromocytoma and paraganglioma. Last evaluated: 2023-02-08. Review status: criteria provided, single submitter. Criteria: ACMG Guidelines, 2015. Collection method: clinical testing. Allele origin: germline.

Ambry Genetics
Classification: Likely benign for Hereditary cancer-predisposing syndrome. Last evaluated: 2021-05-10. Review status: criteria provided, single submitter. Criteria: Ambry Variant Classification Scheme 2023. Collection method: clinical testing. Allele origin: germline.

Department of Pediatrics, Samsung Medical Center, Samsung Medical Center
Classification: Uncertain significance for Microcephaly. Review status: no assertion criteria provided. Criteria: ACMG Guidelines, 2015. Collection method: research. Allele origin: germline. Affected: yes. Not counted in ClinVar's aggregate classification.

NM_003002.4(SDHD):c.269C>A (p.Ala90Glu)

Gene: SDHD (succinate dehydrogenase complex subunit D; plus strand). Cytogenetic location: 11q23.1.
Variant type: single nucleotide variant.
Coding change: c.269C>A on transcript NM_003002.4 (MANE Select); coding-DNA position 269, C replaced by A.
Protein change: p.Ala90Glu; replaces alanine 90 with glutamic acid.
Molecular consequence: missense variant. On other transcripts: non-coding transcript variant (1), intron variant (1).
Genome position (GRCh38, 1-based): chr11:112,088,966, C>A. VCF-style: chr11-112088966-C-A. GRCh37 (hg19) VCF-style: chr11-111959690-C-A.
Other names: c.152C>A, p.Ala51Glu (NM_001276504.2); c.269C>A, p.Ala90Glu (NM_001276506.2); c.169+993C>A (NM_001276503.2); short protein forms A90E, A51E.
Identifiers: ClinVar variation 412512 (VCV000412512.22), dbSNP rs200255724, ClinGen allele CA070965.